The following is an entry in ClinVar:

ClinVar aggregate classification (germline): Uncertain significance (1 of 4 stars; one submission).

Conditions:
Hereditary cancer-predisposing syndrome. Also called: Neoplastic Syndromes, Hereditary; Tumor predisposition; Hereditary Cancer Syndrome; Hereditary neoplastic syndrome. Identifiers: Orphanet 140162, MedGen C0027672, MeSH D009386, MONDO:0015356.

Submission:

Ambry Genetics
Classification: Uncertain significance for Hereditary cancer-predisposing syndrome. Last evaluated: 2026-06-08. Review status: criteria provided, single submitter. Criteria: Ambry Variant Classification Scheme 2023. Collection method: clinical testing. Allele origin: germline.
Comment: The p.E931Q variant (also known as c.2791G>C), located in coding exon 23 of the EGFR gene, results from a G to C substitution at nucleotide position 2791. The glutamic acid at codon 931 is replaced by glutamine, an amino acid with highly similar properties. This amino acid position is conserved. In addition, the in silico prediction for this alteration is inconclusive. Based on the available evidence, the clinical significance of this variant remains unclear.

NM_005228.5(EGFR):c.2791G>C (p.Glu931Gln)

Gene: EGFR (epidermal growth factor receptor; plus strand). Cytogenetic location: 7p11.2.
Variant type: single nucleotide variant.
Coding change: c.2791G>C on transcript NM_005228.5 (MANE Select); coding-DNA position 2791, G replaced by C.
Protein change: p.Glu931Gln; replaces glutamic acid 931 with glutamine.
Molecular consequence: missense variant.
Genome position (GRCh38, 1-based): chr7:55,198,806, G>C. VCF-style: chr7-55198806-G-C. GRCh37 (hg19) VCF-style: chr7-55266499-G-C.
Other names: c.2656G>C, p.Glu886Gln (NM_001346897.2, NM_001346899.2); c.2791G>C, p.Glu931Gln (NM_001346898.2); c.2632G>C, p.Glu878Gln (NM_001346900.2); c.1990G>C, p.Glu664Gln (NM_001346941.2); short protein forms E664Q, E878Q, E886Q, E931Q.
Identifiers: ClinVar variation 4870293 (VCV004870293.1).
Genomic context (GRCh38, chr7:55,198,806, plus strand): 5'-GGATCCAAGCCATATGACGGAATCCCTGCCAGCGAGATCTCCTCCATCCTGGAGAAAGGA[G>C]AACGCCTCCCTCAGCCACCCATATGTACCATCGATGTCTACATGATCATGGTCAAGTGTG-3'
Protein context (NP_005219.2, residues 921-941): SEISSILEKG[Glu931Gln]RLPQPPICTI